The following is an entry in ClinVar:

NM_004006.3(DMD):c.7149G>T (p.Leu2383Phe)

Gene: DMD (dystrophin; minus strand). Cytogenetic location: Xp21.1.
Variant type: single nucleotide variant.
Coding change: c.7149G>T on transcript NM_004006.3 (MANE Select); coding-DNA position 7149, G replaced by T.
Protein change: p.Leu2383Phe; replaces leucine 2383 with phenylalanine.
Molecular consequence: missense variant. On other transcripts: 5 prime UTR variant (5).
Genome position (GRCh38, 1-based): chrX:31,836,769, C>A on the plus strand (G>T on the coding strand, the complement: DMD is on the minus strand). VCF-style: chrX-31836769-C-A. GRCh37 (hg19) VCF-style: chrX-31854886-C-A.
Other names: c.7125G>T, p.Leu2375Phe (NM_000109.4); c.7137G>T, p.Leu2379Phe (NM_004009.3); c.6780G>T, p.Leu2260Phe (NM_004010.3); c.3126G>T, p.Leu1042Phe (NM_004011.4); c.3117G>T, p.Leu1039Phe (NM_004012.4); c.-232G>T (NM_004013.3, NM_004020.4, NM_004021.3 and 2 more transcripts); short protein forms L1039F, L1042F, L2260F, L2375F, L2379F, L2383F.
Identifiers: ClinVar variation 2440835 (VCV002440835.4), dbSNP rs2531880395, ClinGen allele CA412659327.

ClinVar aggregate classification (germline): Uncertain significance. Review status: criteria provided, multiple submitters, no conflicts (2 of 4 stars). 2 submissions from 2 submitters: Uncertain significance (2). Last evaluated 2022-10-12.

Conditions:
Dilated cardiomyopathy 3B (CMD3B). Also called: CMD3B: DMD-Related Dilated Cardiomyopathy; CARDIOMYOPATHY, DILATED, X-LINKED; DMD-Associated Dilated Cardiomyopathy. Identifiers: Orphanet 154, MedGen C3668940, MONDO:0010542, OMIM 302045.

Submissions (2):

Institute of Human Genetics, University of Goettingen
Classification: Uncertain significance for Dilated cardiomyopathy 3B. Last evaluated: 2022-10-12. Review status: criteria provided, single submitter. Criteria: ACMG Guidelines, 2015. Collection method: clinical testing. Allele origin: germline. Affected: yes. Observed: 1 hemizygote.
Comment: The variant c.7149G>T (p.(Leu2383Phe)) in the DMD gene is absent from the gnomAD database and currently not listed in ClinVar or HGMD; 8 out of 14 in silico prediction tools suggest a benign effect. ACMG criteria used for classification: PM2, BP4.

Revvity Omics, Revvity
Classification: Uncertain significance. Last evaluated: 2019-01-28. Review status: criteria provided, single submitter. Criteria: ACMG Guidelines, 2015. Collection method: clinical testing. Allele origin: germline.